The following is an entry in ClinVar:

ClinVar aggregate classification (germline): Pathogenic (1 of 4 stars; one submission).

Conditions:
Hereditary nonpolyposis colorectal neoplasms. Identifiers: MedGen C0009405, MeSH D003123.

Submission:

Labcorp Genetics (formerly Invitae), Labcorp
Classification: Pathogenic for Hereditary nonpolyposis colorectal neoplasms. Last evaluated: 2018-08-23. Review status: criteria provided, single submitter. Criteria: Invitae Variant Classification Sherloc (09022015). Collection method: clinical testing. Allele origin: germline.
Comment: This variant is an out-of-frame deletion of the genomic region encompassing exons 6-7 of the MSH6 gene. This is expected to create a premature translational stop signal and result in an absent or disrupted protein product. This variant has not been reported in the literature in individuals with MSH6-related disease. Loss-of-function variants in MSH6 are known to be pathogenic (PMID: 18269114, 24362816). For these reasons, this variant has been classified as Pathogenic.

Literature cited by the submitters: PubMed 18269114; PubMed 24362816.

NC_000002.12:g.(?_47804900)_(47805717_?)del

Gene: MSH6 (mutS homolog 6; plus strand). Cytogenetic location: 2p16.3.
Variant type: Deletion.
Identifiers: ClinVar variation 647938 (VCV000647938.2).